The following is an entry in ClinVar:

ClinVar aggregate classification (germline): Uncertain significance. Review status: criteria provided, multiple submitters, no conflicts (2 of 4 stars). 6 submissions from 6 submitters: Uncertain significance (5). 1 of the submissions does not count toward it. Last evaluated 2024-10-15.

Conditions:
Hereditary breast ovarian cancer syndrome. Also called: Hereditary breast and ovarian cancer; Hereditary breast and ovarian cancer syndrome; Breast and ovarian cancer; Hereditary breast and ovarian cancer syndrome (HBOC); Hereditary breast and/or ovarian cancer syndrome; BRCA1- and BRCA2-Associated Hereditary Breast and Ovarian Cancer. Identifiers: Orphanet 145, MedGen C0677776, MeSH D061325, MONDO:0003582. Disease mechanism: loss of function.
Hereditary cancer-predisposing syndrome. Also called: Hereditary Cancer Syndrome; Neoplastic Syndromes, Hereditary; Tumor predisposition; Hereditary neoplastic syndrome. Identifiers: Orphanet 140162, MedGen C0027672, MeSH D009386, MONDO:0015356.
Breast-ovarian cancer, familial, susceptibility to, 2 (BROVCA2). Also called: BRCA2 Hereditary Breast and Ovarian Cancer. Identifiers: Orphanet 145, MedGen C2675520, MONDO:0012933, OMIM 612555. Disease mechanism: loss of function.

Submissions (6):

Labcorp Genetics (formerly Invitae), Labcorp
Classification: Uncertain significance for Hereditary breast ovarian cancer syndrome. Last evaluated: 2024-10-15. Review status: criteria provided, single submitter. Criteria: Invitae Variant Classification Sherloc (09022015). Collection method: clinical testing. Allele origin: germline.
Comment: This sequence change replaces arginine, which is basic and polar, with leucine, which is neutral and non-polar, at codon 2341 of the BRCA2 protein (p.Arg2341Leu). This variant is not present in population databases (gnomAD no frequency). This variant has not been reported in the literature in individuals affected with BRCA2-related conditions. ClinVar contains an entry for this variant (Variation ID: 186292). Invitae Evidence Modeling of protein sequence and biophysical properties (such as structural, functional, and spatial information, amino acid conservation, physicochemical variation, residue mobility, and thermodynamic stability) indicates that this missense variant is not expected to disrupt BRCA2 protein function with a negative predictive value of 95%. In summary, the available evidence is currently insufficient to determine the role of this variant in disease. Therefore, it has been classified as a Variant of Uncertain Significance.

Ambry Genetics
Classification: Uncertain significance for Hereditary cancer-predisposing syndrome. Last evaluated: 2024-05-13. Review status: criteria provided, single submitter. Criteria: Ambry Variant Classification Scheme 2023. Collection method: clinical testing. Allele origin: germline.
Comment: The p.R2341L variant (also known as c.7022G>T), located in coding exon 13 of the BRCA2 gene, results from a G to T substitution at nucleotide position 7022. The arginine at codon 2341 is replaced by leucine, an amino acid with dissimilar properties. This amino acid position is not well conserved in available vertebrate species. In addition, the in silico prediction for this alteration is inconclusive. Based on the available evidence, the clinical significance of this variant remains unclear.

Quest Diagnostics Nichols Institute San Juan Capistrano
Classification: Uncertain significance. Last evaluated: 2023-10-09. Review status: criteria provided, single submitter. Criteria: Quest Diagnostics criteria. Collection method: clinical testing. Allele origin: unknown.

Women's Health and Genetics/Laboratory Corporation of America, LabCorp
Classification: Uncertain significance. Last evaluated: 2018-05-21. Review status: criteria provided, single submitter. Criteria: LabCorp Variant Classification Summary - May 2015. Collection method: clinical testing. Allele origin: germline.
Comment: Variant summary: BRCA2 c.7022G>T (p.Arg2341Leu) results in a non-conservative amino acid change in the encoded protein sequence. Three of five in-silico tools predict a benign effect of the variant on protein function. The variant was absent in 120758 control chromosomes. The available data on variant occurrences in the general population are insufficient to allow any conclusion about variant significance. To our knowledge, no occurrence of c.7022G>T in individuals affected with Hereditary Breast and Ovarian Cancer and no experimental evidence demonstrating its impact on protein function have been reported. Two clinical diagnostic laboratories have submitted clinical-significance assessments for this variant to ClinVar after 2014 without evidence for independent evaluation. All laboratories classified the variant as uncertain significance. Based on the evidence outlined above, the variant was classified as uncertain significance.

Breakthrough Genomics
Classification: Uncertain significance. Review status: criteria provided, single submitter. Criteria: ACMG Guidelines, 2015. Collection method: not provided. Allele origin: germline. Inheritance: Autosomal recessive inheritance. Affected: yes.

Counsyl
Classification: Uncertain significance for Breast-ovarian cancer, familial, susceptibility to, 2. Last evaluated: 2016-02-12. Review status: no assertion criteria provided. Collection method: clinical testing. Allele origin: unknown. Not counted in ClinVar's aggregate classification.

Literature cited by the submitters: PubMed 31853058 (cited by Quest Diagnostics Nichols Institute San Juan Capistrano); PubMed 31191615 (cited by Quest Diagnostics Nichols Institute San Juan Capistrano).

NM_000059.4(BRCA2):c.7022G>T (p.Arg2341Leu)

Gene: BRCA2 (BRCA2 DNA repair associated; plus strand). Cytogenetic location: 13q13.1.
Variant type: single nucleotide variant.
Coding change: c.7022G>T on transcript NM_000059.4 (MANE Select); coding-DNA position 7022, G replaced by T.
Protein change: p.Arg2341Leu; replaces arginine 2341 with leucine.
Molecular consequence: missense variant.
Genome position (GRCh38, 1-based): chr13:32,354,875, G>T. VCF-style: chr13-32354875-G-T. GRCh37 (hg19) VCF-style: chr13-32929012-G-T.
Other names: short protein forms R2341L.
Identifiers: ClinVar variation 186292 (VCV000186292.18), dbSNP rs786202839, ClinGen allele CA024762.
Genomic context (GRCh38, chr13:32,354,875, plus strand): 5'-ATATGTGTACTAGTCAATAAACTTATATATTTTCTCCCCATTGCAGCACAACTAAGGAAC[G>T]TCAAGAGATACAGAATCCAAATTTTACCGCACCTGGTCAAGAATTTCTGTCTAAATCTCA-3'
Protein context (NP_000050.3, residues 2331-2351): TCVPFRTTKE[Arg2341Leu]QEIQNPNFTA